The following is an entry in ClinVar:

NM_001358530.2(MOCS1):c.1175C>T (p.Ser392Phe)

Gene: MOCS1 (molybdenum cofactor synthesis 1; minus strand). Cytogenetic location: 6p21.2.
Variant type: single nucleotide variant.
Coding change: c.1175C>T on transcript NM_001358530.2 (MANE Select); coding-DNA position 1175, C replaced by T.
Protein change: p.Ser392Phe; replaces serine 392 with phenylalanine.
Molecular consequence: missense variant. On other transcripts: 3 prime UTR variant (4), non-coding transcript variant (1).
Genome position (GRCh38, 1-based): chr6:39,907,093, G>A on the plus strand (C>T on the coding strand, the complement: MOCS1 is on the minus strand). VCF-style: chr6-39907093-G-A. GRCh37 (hg19) VCF-style: chr6-39874869-G-A.
Other names: c.*32C>T (NM_001075098.4, NM_001358533.2, NM_001358534.2 and 1 more transcripts); c.1127C>T, p.Ser376Phe (NM_001358529.2); c.914C>T, p.Ser305Phe (NM_001358531.2); short protein forms S376F, S305F, S392F.
Identifiers: ClinVar variation 1425178 (VCV001425178.6), dbSNP rs1404897954, ClinGen allele CA364041267.
Genomic context (GRCh38, chr6:39,907,093, plus strand): 5'-GGTCTTAGACCCTGAACATGGAGCGGGTCCCAGGAGAAAATGCTTGGATTGGCTGGTGGG[G>A]AATTGGGGAACATCAAAAATAACTCTGCAAGGCAAGAAGAAAAGAGAAGAAACACTAAGT-3'
Protein context (NP_001345459.1, residues 382-402): LIELFLMFPN[Ser392Phe]PPANPSIFSW

ClinVar aggregate classification (germline): Uncertain significance (1 of 4 stars; one submission).

Conditions:
Sulfite oxidase deficiency due to molybdenum cofactor deficiency type A. Also called: Molybdenum cofactor deficiency, complementation group A; Molybdenum Cofactor Deficiency A. Identifiers: Orphanet 308386, Orphanet 833, MedGen C1854988, MONDO:0009643, OMIM 252150.

Allele frequency attached by ClinVar (database versions not stated): gnomAD exomes below 0.00001.
gnomAD v4.1: 1 of 1,612,754 alleles (0.000062%); highest among the groups gnomAD compares: Admixed American, 0.0017%; no homozygotes.

Submission:

Labcorp Genetics (formerly Invitae), Labcorp
Classification: Uncertain significance for Sulfite oxidase deficiency due to molybdenum cofactor deficiency type A. Last evaluated: 2021-11-09. Review status: criteria provided, single submitter. Criteria: Invitae Variant Classification Sherloc (09022015). Collection method: clinical testing. Allele origin: germline.
Comment: This sequence change replaces serine, which is neutral and polar, with phenylalanine, which is neutral and non-polar, at codon 392 of the MOCS1 protein (p.Ser392Phe). This variant is present in population databases (no rsID available, gnomAD 0.003%). In summary, the available evidence is currently insufficient to determine the role of this variant in disease. Therefore, it has been classified as a Variant of Uncertain Significance. Algorithms developed to predict the effect of missense changes on protein structure and function are either unavailable or do not agree on the potential impact of this missense change (SIFT: "Not Available"; PolyPhen-2: "Possibly Damaging"; Align-GVGD: "Not Available"). This variant has not been reported in the literature in individuals affected with MOCS1-related conditions.